The following is an entry in ClinVar:

ClinVar aggregate classification (germline): Uncertain significance (1 of 4 stars; one submission).

Conditions:
Danon disease. Also called: Glycogen Storage Disease Type IIb; PSEUDOGLYCOGENOSIS II; ANTOPOL DISEASE; GSD IIb; LYSOSOMAL GLYCOGEN STORAGE DISEASE WITHOUT ACID MALTASE DEFICIENCY. Identifiers: Orphanet 34587, MedGen C0878677, MONDO:0010281, OMIM 300257.

Submission:

Labcorp Genetics (formerly Invitae), Labcorp
Classification: Uncertain significance for Danon disease. Last evaluated: 2021-03-12. Review status: criteria provided, single submitter. Criteria: Invitae Variant Classification Sherloc (09022015). Collection method: clinical testing. Allele origin: germline.
Comment: In summary, the available evidence is currently insufficient to determine the role of this variant in disease. Therefore, it has been classified as a Variant of Uncertain Significance. Algorithms developed to predict the effect of missense changes on protein structure and function are either unavailable or do not agree on the potential impact of this missense change (SIFT: "Deleterious"; PolyPhen-2: "Probably Damaging"; Align-GVGD: "Class C0"). This variant has not been reported in the literature in individuals with LAMP2-related conditions. This variant is not present in population databases (ExAC no frequency). This sequence change replaces cysteine with tyrosine at codon 153 of the LAMP2 protein (p.Cys153Tyr). The cysteine residue is moderately conserved and there is a large physicochemical difference between cysteine and tyrosine.

NM_002294.3(LAMP2):c.458G>A (p.Cys153Tyr)

Gene: LAMP2 (lysosome associated membrane protein 2; minus strand). Cytogenetic location: Xq24.
Variant type: single nucleotide variant.
Coding change: c.458G>A on transcript NM_002294.3 (MANE Select); coding-DNA position 458, G replaced by A.
Protein change: p.Cys153Tyr; replaces cysteine 153 with tyrosine.
Molecular consequence: missense variant.
Genome position (GRCh38, 1-based): chrX:120,449,068, C>T on the plus strand (G>A on the coding strand, the complement: LAMP2 is on the minus strand). VCF-style: chrX-120449068-C-T. GRCh37 (hg19) VCF-style: chrX-119582923-C-T.
Other names: c.458G>A, p.Cys153Tyr (NM_001122606.1, NM_013995.2); short protein forms C153Y.
Identifiers: ClinVar variation 1518488 (VCV001518488.8), dbSNP rs2058610425, ClinGen allele CA414402194.